The following is an entry in ClinVar:

ClinVar aggregate classification (germline): Uncertain significance (1 of 4 stars; one submission).

gnomAD v4.1: 1 of 1,613,676 alleles (0.000062%); no homozygotes.

Submission:

Labcorp Genetics (formerly Invitae), Labcorp
Classification: Uncertain significance. Last evaluated: 2022-10-13. Review status: criteria provided, single submitter. Criteria: Invitae Variant Classification Sherloc (09022015). Collection method: clinical testing. Allele origin: germline.
Comment: In summary, the available evidence is currently insufficient to determine the role of this variant in disease. Therefore, it has been classified as a Variant of Uncertain Significance. Algorithms developed to predict the effect of sequence changes on RNA splicing suggest that this variant is not likely to affect RNA splicing. This variant has not been reported in the literature in individuals affected with C6-related conditions. This variant is present in population databases (no rsID available, gnomAD 0.0009%). This sequence change affects codon 196 of the C6 mRNA. It is a 'silent' change, meaning that it does not change the encoded amino acid sequence of the C6 protein. It affects a nucleotide within the consensus splice site.

NM_000065.5(C6):c.588G>A (p.Gly196=)

Gene: C6 (complement C6; minus strand). Cytogenetic location: 5p13.1.
Variant type: single nucleotide variant.
Coding change: c.588G>A on transcript NM_000065.5 (MANE Select); coding-DNA position 588, G replaced by A.
Protein change: p.Gly196=; no amino-acid change (glycine 196 retained).
Molecular consequence: synonymous variant.
Genome position (GRCh38, 1-based): chr5:41,186,208, C>T on the plus strand (G>A on the coding strand, the complement: C6 is on the minus strand). VCF-style: chr5-41186208-C-T. GRCh37 (hg19) VCF-style: chr5-41186310-C-T.
Other names: c.588G>A, p.Gly196= (NM_001115131.4).
Identifiers: ClinVar variation 1925519 (VCV001925519.5), dbSNP rs1025568294, ClinGen allele CA117784309.